The following is an entry in ClinVar:

NM_001378418.1(TCF20):c.3719del (p.Pro1240fs)

Gene: TCF20 (transcription factor 20; minus strand). Cytogenetic location: 22q13.2.
Variant type: Deletion.
Coding change: c.3719del on transcript NM_001378418.1 (MANE Select); coding-DNA position 3719, one base deleted (C; older notation c.3719delC).
Protein change: p.Pro1240fs; shifts the reading frame from proline 1240.
Molecular consequence: frameshift variant.
Genome position (GRCh38, 1-based): chr22:42,211,587, G deleted on the plus strand (C on the coding strand, the reverse complement: TCF20 is on the minus strand); the first of 2 consecutive G bases (chr22:42,211,587-42,211,588); deleting either gives the same sequence. VCF-style (leftmost placement, unchanged base first): chr22-42211586-TG-T. GRCh37 (hg19) VCF-style: chr22-42607592-TG-T.
Other names: c.3719del, p.Pro1240fs (NM_005650.4, NM_181492.3); short protein forms P1240fs.
Identifiers: ClinVar variation 3377637 (VCV003377637.1).

ClinVar aggregate classification (germline): Likely pathogenic (1 of 4 stars; one submission).

Conditions:
Developmental delay with variable intellectual impairment and behavioral abnormalities. Identifiers: MedGen C5193092, MONDO:0032745, OMIM 618430.

Submission:

Neuberg Centre For Genomic Medicine, NCGM
Classification: Likely pathogenic for Developmental delay with variable intellectual impairment and behavioral abnormalities. Last evaluated: 2023-06-22. Review status: criteria provided, single submitter. Criteria: ACMG Guidelines, 2015. Collection method: clinical testing. Allele origin: germline. Inheritance: Autosomal dominant inheritance. Affected: yes.
Comment: The observed frameshift c.3719del(p.Pro1240GlnfsTer12) variant in TCF20 gene has not been reported previously as a pathogenic variant nor as a benign variant, to our knowledge. This variant is absent in gnomAD Exomes. This variant causes a frameshift starting with codon Proline 1240, changes this amino acid to Glutamine residue, and creates a premature Stop codon at position 12 of the new reading frame, denoted p.Pro1240GlnfsTer12. This variant is predicted to cause loss of normal protein function through protein truncation. Loss of function variants have been previously reported to be disease causing. For these reasons, this variant has been classified as Likely Pathogenic.